The following is an entry in ClinVar:

ClinVar aggregate classification (germline): Uncertain significance (1 of 4 stars; one submission).

Allele frequency attached by ClinVar (database versions not stated): gnomAD 0.00001; TOPMed 0.00001.

Submission:

Labcorp Genetics (formerly Invitae), Labcorp
Classification: Uncertain significance. Last evaluated: 2023-06-14. Review status: criteria provided, single submitter. Criteria: Invitae Variant Classification Sherloc (09022015). Collection method: clinical testing. Allele origin: germline.
Comment: This sequence change replaces aspartic acid, which is acidic and polar, with glutamic acid, which is acidic and polar, at codon 363 of the LRIT3 protein (p.Asp363Glu). This variant is present in population databases (no rsID available, gnomAD 0.007%). This variant has not been reported in the literature in individuals affected with LRIT3-related conditions. Algorithms developed to predict the effect of missense changes on protein structure and function output the following: SIFT: "Not Available"; PolyPhen-2: "Benign"; Align-GVGD: "Not Available". The glutamic acid amino acid residue is found in multiple mammalian species, which suggests that this missense change does not adversely affect protein function. In summary, the available evidence is currently insufficient to determine the role of this variant in disease. Therefore, it has been classified as a Variant of Uncertain Significance.

NM_198506.5(LRIT3):c.1089T>G (p.Asp363Glu)

Gene: LRIT3 (leucine rich repeat, Ig-like and transmembrane domains 3; plus strand). Cytogenetic location: 4q25.
Variant type: single nucleotide variant.
Coding change: c.1089T>G on transcript NM_198506.5 (MANE Select); coding-DNA position 1089, T replaced by G.
Protein change: p.Asp363Glu; replaces aspartic acid 363 with glutamic acid.
Molecular consequence: missense variant.
Genome position (GRCh38, 1-based): chr4:109,869,838, T>G. VCF-style: chr4-109869838-T-G. GRCh37 (hg19) VCF-style: chr4-110790994-T-G.
Other names: short protein forms D363E.
Identifiers: ClinVar variation 2796944 (VCV002796944.3), dbSNP rs984033485, ClinGen allele CA103712036.